The following is an entry in ClinVar:

NM_001370259.2(MEN1):c.1348C>T (p.Gln450Ter)

Gene: MEN1 (menin 1; minus strand). Cytogenetic location: 11q13.1.
Variant type: single nucleotide variant.
Coding change: c.1348C>T on transcript NM_001370259.2 (MANE Select); coding-DNA position 1348, C replaced by T.
Protein change: p.Gln450Ter; replaces glutamine 450 with a stop codon.
Molecular consequence: nonsense.
Genome position (GRCh38, 1-based): chr11:64,805,036, G>A on the plus strand (C>T on the coding strand, the complement: MEN1 is on the minus strand). VCF-style: chr11-64805036-G-A. GRCh37 (hg19) VCF-style: chr11-64572508-G-A.
Other names: c.1363C>T, p.Gln455Ter (NM_000244.4, NM_130800.3, NM_130801.3 and 3 more transcripts); c.1474C>T, p.Gln492Ter (NM_001370251.2); c.1348C>T, p.Gln450Ter (NM_001370260.2, NM_001370261.2, NM_130799.3); c.1243C>T, p.Gln415Ter (NM_001370262.2, NM_001370263.2); short protein forms Q450*, Q455*, Q415*, Q492*.
Identifiers: ClinVar variation 428050 (VCV000428050.7), dbSNP rs1114167509, ClinGen allele CA381180022.

ClinVar aggregate classification (germline): Pathogenic. Review status: criteria provided, multiple submitters, no conflicts (2 of 4 stars). 2 submissions from 2 submitters: Pathogenic (2). Last evaluated 2020-01-16.

Conditions:
MEN1-related disorder. Also called: MEN1-related condition.
Hereditary cancer-predisposing syndrome. Also called: Tumor predisposition; Hereditary Cancer Syndrome; Hereditary neoplastic syndrome; Neoplastic Syndromes, Hereditary. Identifiers: Orphanet 140162, MedGen C0027672, MeSH D009386, MONDO:0015356.

Submissions (2):

Blueprint Genetics
Classification: Pathogenic for MEN1-related disorders. Last evaluated: 2020-01-16. Review status: criteria provided, single submitter. Criteria: ACMG Guidelines, 2015. Collection method: clinical testing. Allele origin: germline. Affected: yes. Observed: 1 variant allele.

Ambry Genetics
Classification: Pathogenic for Hereditary cancer-predisposing syndrome. Last evaluated: 2014-12-24. Review status: criteria provided, single submitter. Criteria: Ambry Variant Classification Scheme 2023. Collection method: clinical testing. Allele origin: germline.
Comment: The p.Q450* pathogenic mutation (also known as c.1348C>T), located in coding exon 8 of the MEN1 gene, results from a C to T substitution at nucleotide position 1348. This changes the amino acid from a glutamine to a stop codon at the last amino acid position of coding exon 8. In addition to the clinical data presented in the literature, since premature stop codons are typically deleterious in nature, this alteration is interpreted as a disease-causing mutation (ACMG Recommendations for Standards for Interpretation and Reporting of Sequence Variations. Revision 2007. Genet Med. 2008;10:294).